The following is an entry in ClinVar:

NM_006767.4(LZTR1):c.2T>C (p.Met1Thr)

Genes: LZTR1 (leucine zipper like post translational regulator 1; plus strand), LOC130067016 (ATAC-STARR-seq lymphoblastoid silent region 13504; plus strand). Cytogenetic location: 22q11.21.
Variant type: single nucleotide variant.
Coding change: c.2T>C on transcript NM_006767.4 (MANE Select); coding-DNA position 2, T replaced by C.
Protein change: p.Met1Thr; changes the start codon (methionine 1).
Molecular consequence: missense variant, initiator codon variant.
Genome position (GRCh38, 1-based): chr22:20,982,373, T>C. VCF-style: chr22-20982373-T-C. GRCh37 (hg19) VCF-style: chr22-21336662-T-C.
Other names: short protein forms M1T.
Identifiers: ClinVar variation 4884233 (VCV004884233.2).

ClinVar aggregate classification (germline): Likely pathogenic (1 of 4 stars; one submission).

Submission:

Dasa
Classification: Likely pathogenic. Last evaluated: 2025-06-28. Review status: criteria provided, single submitter. Criteria: DASA Assertion Criteria. Collection method: clinical testing. Allele origin: germline.
Comment: NM_006767.4(LZTR1):c.2T>C (p.Met1?) is a start-loss variant predicted to alter the translation initiation codon and impair normal protein translation. Loss of function is an established disease mechanism for LZTR1-associated disorders. The affected residue or protein region has prior evidence supporting clinical relevance. Also, this variant is rare in population databases. Based on the currently available evidence, this variant is classified as likely pathogenic.